The following is an entry in ClinVar:

NM_001083619.3(GRIA2):c.2541G>T (p.Lys847Asn)

Gene: GRIA2 (glutamate ionotropic receptor AMPA type subunit 2; plus strand). Cytogenetic location: 4q32.1.
Variant type: single nucleotide variant.
Coding change: c.2541G>T on transcript NM_001083619.3 (MANE Select); coding-DNA position 2541, G replaced by T.
Protein change: p.Lys847Asn; replaces lysine 847 with asparagine.
Molecular consequence: missense variant.
Genome position (GRCh38, 1-based): chr4:157,362,933, G>T. VCF-style: chr4-157362933-G-T. GRCh37 (hg19) VCF-style: chr4-158284085-G-T.
Other names: c.2541G>T, p.Lys847Asn (NM_000826.6); c.2400G>T, p.Lys800Asn (NM_001083620.3, NM_001379000.3, NM_001379001.3); short protein forms K800N, K847N.
Identifiers: ClinVar variation 4530714 (VCV004530714.1).

ClinVar aggregate classification (germline): Uncertain significance (1 of 4 stars; one submission).

gnomAD v4.1: 1 of 1,613,580 alleles (0.000062%); highest among the groups gnomAD compares: Non-Finnish European, 0.000085%; no homozygotes.

Submission:

GeneDx
Classification: Uncertain significance. Last evaluated: 2025-05-22. Review status: criteria provided, single submitter. Criteria: GeneDx Variant Classification Process June 2021. Collection method: clinical testing. Allele origin: germline. Affected: yes.
Comment: Not observed at significant frequency in large population cohorts (gnomAD); In silico analysis supports that this missense variant has a deleterious effect on protein structure/function; Has not been previously published as pathogenic or benign to our knowledge